The following is an entry in ClinVar:

ClinVar aggregate classification (germline): Likely pathogenic (1 of 4 stars; one submission).

Conditions:
Inborn genetic diseases. Identifiers: MedGen C0950123, MeSH D030342.

Submission:

Ambry Genetics
Classification: Likely pathogenic for Inborn genetic diseases. Last evaluated: 2025-11-03. Review status: criteria provided, single submitter. Criteria: Ambry Variant Classification Scheme 2023. Collection method: clinical testing. Allele origin: germline.
Comment: The c.70G>T (p.E24*) alteration, located in exon 1 (coding exon 1) of the SPEN gene, consists of a G to T substitution at nucleotide position 70. This changes the amino acid from a glutamic acid (E) to a stop codon at amino acid position 24. The predicted stop codon occurs in the 5' end of the SPEN gene. Premature termination codons in the 5&rsquo; end of a gene have been reported to escape nonsense-mediated mRNA decay and/or lead to re-initiation (Rivas, 2015; Lindeboom, 2016; Rhee, 2017). Direct evidence for this alteration is unavailable; however, premature termination codons are typically deleterious in nature. This variant was not reported in population-based cohorts in the Genome Aggregation Database (gnomAD). Based on the available evidence, this alteration is classified as likely pathogenic.

Literature cited by the submitters: PubMed 25954003; PubMed 27618451; PubMed 28490743.

NM_015001.3(SPEN):c.70G>T (p.Glu24Ter)

Genes: SPEN (spen family transcriptional repressor; plus strand), SPEN-AS1 (SPEN antisense RNA 1; minus strand). Cytogenetic location: 1p36.21.
Variant type: single nucleotide variant.
Coding change: c.70G>T on transcript NM_015001.3 (MANE Select); coding-DNA position 70, G replaced by T.
Protein change: p.Glu24Ter; replaces glutamic acid 24 with a stop codon.
Molecular consequence: nonsense. On other transcripts: non-coding transcript variant (1).
Genome position (GRCh38, 1-based): chr1:15,848,137, G>T. VCF-style: chr1-15848137-G-T. GRCh37 (hg19) VCF-style: chr1-16174632-G-T.
Other names: short protein forms E24*.
Identifiers: ClinVar variation 4632017 (VCV004632017.1).
Genomic context (GRCh38, chr1:15,848,137, plus strand): 5'-GAAACCAGGCATCTCTGGGTGGGCAACTTACCCGAGAACGTGCGGGAAGAGAAGATCATC[G>T]AGCATTTCAAACGGTGAGTGACACGAGGCCCGCGGCCGCGCTCGCTCCTCGGGCGCCGCT-3'